The following is an entry in ClinVar:

ClinVar aggregate classification (germline): Uncertain significance (1 of 4 stars; one submission).

gnomAD v4.1: 6 of 1,613,576 alleles (0.00037%); highest among the groups gnomAD compares: Non-Finnish European, 0.00051%; no homozygotes.

Submission:

Ambry Genetics
Classification: Uncertain significance. Last evaluated: 2024-04-01. Review status: criteria provided, single submitter. Criteria: Ambry Variant Classification Scheme 2023. Collection method: clinical testing. Allele origin: germline.
Comment: The p.N195S variant (also known as c.584A>G), located in coding exon 4 of the POLQ gene, results from an A to G substitution at nucleotide position 584. The asparagine at codon 195 is replaced by serine, an amino acid with highly similar properties. This amino acid position is conserved. In addition, this alteration is predicted to be tolerated by in silico analysis. Since supporting evidence is limited at this time, the clinical significance of this alteration remains unclear.

NM_199420.4(POLQ):c.584A>G (p.Asn195Ser)

Gene: POLQ (DNA polymerase theta; minus strand). Cytogenetic location: 3q13.33.
Variant type: single nucleotide variant.
Coding change: c.584A>G on transcript NM_199420.4 (MANE Select); coding-DNA position 584, A replaced by G.
Protein change: p.Asn195Ser; replaces asparagine 195 with serine.
Molecular consequence: missense variant.
Genome position (GRCh38, 1-based): chr3:121,539,480, T>C on the plus strand (A>G on the coding strand, the complement: POLQ is on the minus strand). VCF-style: chr3-121539480-T-C. GRCh37 (hg19) VCF-style: chr3-121258327-T-C.
Other names: short protein forms N195S.
Identifiers: ClinVar variation 1750052 (VCV001750052.3), dbSNP rs2546824514, ClinGen allele CA354091075.